The following is an entry in ClinVar:

ClinVar aggregate classification (germline): Uncertain significance. Review status: criteria provided, multiple submitters, no conflicts (2 of 4 stars). 2 submissions from 2 submitters: Uncertain significance (2). Last evaluated 2026-05-14.

Conditions:
Intellectual disability-facial dysmorphism syndrome due to SETD5 haploinsufficiency (MRD23). Also called: Intellectual developmental disorder, autosomal dominant 23. Identifiers: Orphanet 404440, MedGen C3810406, MONDO:0014336, OMIM 615761.

gnomAD v4.1: 7 of 1,613,772 alleles (0.00043%); highest among the groups gnomAD compares: East Asian, 0.0022%; no homozygotes.

Submissions (2):

Women's Health and Genetics/Laboratory Corporation of America, LabCorp
Classification: Uncertain significance. Last evaluated: 2026-05-14. Review status: criteria provided, single submitter. Criteria: LabCorp Variant Classification Summary - May 2015. Collection method: clinical testing. Allele origin: germline.
Comment: Variant summary: SETD5 c.2546G>A (p.Arg849Gln) results in a conservative amino acid change in the encoded protein sequence. Algorithms developed to predict the effect of missense changes on protein structure and function all suggest that this variant is likely to be tolerated. The variant allele was found at a frequency of 8e-06 in 249224 control chromosomes. The available data on variant occurrences in the general population are insufficient to allow any conclusion about variant significance. To our knowledge, no occurrence of c.2546G>A in individuals affected with SETD5-related conditions and no experimental evidence demonstrating its impact on protein function have been reported. ClinVar contains an entry for this variant (Variation ID: 4076163). Based on the evidence outlined above, the variant was classified as uncertain significance.

Laboratorio de Genetica e Diagnostico Molecular, Hospital Israelita Albert Einstein
Classification: Uncertain significance for Intellectual disability-facial dysmorphism syndrome due to SETD5 haploinsufficiency. Last evaluated: 2023-05-31. Review status: criteria provided, single submitter. Criteria: ACMG Guidelines, 2015. Collection method: clinical testing. Allele origin: germline. Affected: yes.
Comment: ACMG classification criteria: PM2 supporting, BP4 supporting

NM_001080517.3(SETD5):c.2546G>A (p.Arg849Gln)

Gene: SETD5 (SET domain containing 5; plus strand). Cytogenetic location: 3p25.3.
Variant type: single nucleotide variant.
Coding change: c.2546G>A on transcript NM_001080517.3 (MANE Select); coding-DNA position 2546, G replaced by A.
Protein change: p.Arg849Gln; replaces arginine 849 with glutamine.
Molecular consequence: missense variant.
Genome position (GRCh38, 1-based): chr3:9,464,494, G>A. VCF-style: chr3-9464494-G-A. GRCh37 (hg19) VCF-style: chr3-9506178-G-A.
Other names: c.2252G>A, p.Arg751Gln (NM_001292043.2, NM_001349451.2); c.2642G>A, p.Arg881Gln (NM_001437633.1); c.2603G>A, p.Arg868Gln (NM_001437635.1); c.2546G>A, p.Arg849Gln (NM_001437643.1); c.2585G>A, p.Arg862Gln (NM_001437701.1); short protein forms R751Q, R849Q, R862Q, R868Q, R881Q.
Identifiers: ClinVar variation 4076163 (VCV004076163.2).